The following is an entry in ClinVar:

NM_031844.3(HNRNPU):c.1553C>G (p.Ala518Gly)

Gene: HNRNPU (heterogeneous nuclear ribonucleoprotein U; minus strand). Cytogenetic location: 1q44.
Variant type: single nucleotide variant.
Coding change: c.1553C>G on transcript NM_031844.3 (MANE Select); coding-DNA position 1553, C replaced by G.
Protein change: p.Ala518Gly; replaces alanine 518 with glycine.
Molecular consequence: missense variant.
Genome position (GRCh38, 1-based): chr1:244,857,659, G>C on the plus strand (C>G on the coding strand, the complement: HNRNPU is on the minus strand). VCF-style: chr1-244857659-G-C. GRCh37 (hg19) VCF-style: chr1-245020961-G-C.
Other names: c.1496C>G, p.Ala499Gly (NM_004501.3); short protein forms A499G, A518G.
Identifiers: ClinVar variation 5017001 (VCV005017001.1).

ClinVar aggregate classification (germline): Uncertain significance (1 of 4 stars; one submission).

gnomAD v4.1: 1 of 1,612,698 alleles (0.000062%); highest among the groups gnomAD compares: Non-Finnish European, 0.000085%; no homozygotes.

Submission:

GeneDx
Classification: Uncertain significance. Last evaluated: 2026-03-24. Review status: criteria provided, single submitter. Criteria: GeneDx Variant Classification Process June 2021. Collection method: clinical testing. Allele origin: germline.
Comment: Not observed at significant frequency in large population cohorts (gnomAD); In silico analysis supports that this missense variant has a deleterious effect on protein structure/function; Has not been previously published as pathogenic or benign to our knowledge